The following is an entry in ClinVar:

ClinVar aggregate classification (germline): Uncertain significance (1 of 4 stars; one submission).

Conditions:
ALG3-congenital disorder of glycosylation. Also called: CONGENITAL DISORDER OF GLYCOSYLATION, TYPE Id; CARBOHYDRATE-DEFICIENT GLYCOPROTEIN SYNDROME, TYPE IV; CDGS, TYPE IV; CDG Id; ALG3-CDG. Identifiers: Orphanet 79321, MedGen C1832736, MONDO:0010998, OMIM 601110.

Submission:

Victorian Clinical Genetics Services, Murdoch Childrens Research Institute
Classification: Uncertain significance for ALG3-congenital disorder of glycosylation. Last evaluated: 2020-05-21. Review status: criteria provided, single submitter. Criteria: ACMG Guidelines, 2015. Collection method: clinical testing. Allele origin: germline. Inheritance: Autosomal recessive inheritance. Affected: yes.
Comment: A heterozygous missense variant was identified, NM_005787.5(ALG3):c.503T>C in exon 4 of 9 of the ALG3 gene. This substitution is predicted to create a major amino acid change from phenylalanine to a serine at position 168 of the protein; NP_005778.1(ALG3):p.(Phe168Ser). The phenylalanine at this position has moderate conservation (100 vertebrates, UCSC), and is located within the helical transmembrane region of the protein (PDB). In silico software predicts this variant to be damaging (Polyphen, SIFT, CADD, Mutation Taster). The variant is not present in the gnomAD population database. This variant has not previously been reported in clinical cases. Based on information available at the time of curation, this variant has been classified as a VUS with POTENTIAL CLINICAL RELEVANCE.

NM_005787.6(ALG3):c.503T>C (p.Phe168Ser)

Gene: ALG3 (ALG3 alpha-1,3- mannosyltransferase; minus strand). Cytogenetic location: 3q27.1.
Variant type: single nucleotide variant.
Coding change: c.503T>C on transcript NM_005787.6 (MANE Select); coding-DNA position 503, T replaced by C.
Protein change: p.Phe168Ser; replaces phenylalanine 168 with serine.
Molecular consequence: missense variant. On other transcripts: non-coding transcript variant (2).
Genome position (GRCh38, 1-based): chr3:184,245,300, A>G on the plus strand (T>C on the coding strand, the complement: ALG3 is on the minus strand). VCF-style: chr3-184245300-A-G. GRCh37 (hg19) VCF-style: chr3-183963088-A-G.
Other names: c.359T>C, p.Phe120Ser (NM_001006941.2); c.398T>C, p.Phe133Ser (NM_001006942.1); short protein forms F120S, F133S, F168S.
Identifiers: ClinVar variation 1805323 (VCV001805323.1), dbSNP rs2473852750, ClinGen allele CA355421299.